The following is an entry in ClinVar:

ClinVar aggregate classification (germline): Uncertain significance (1 of 4 stars; one submission).

Conditions:
Charcot-Marie-Tooth disease type 4. Also called: Charcot-Marie-Tooth disease, type IV; Charcot-Marie-Tooth, Type 4. Identifiers: Orphanet 64749, MedGen C4082197, MONDO:0018995.

Submission:

Labcorp Genetics (formerly Invitae), Labcorp
Classification: Uncertain significance for Charcot-Marie-Tooth disease type 4. Last evaluated: 2022-02-19. Review status: criteria provided, single submitter. Criteria: Invitae Variant Classification Sherloc (09022015). Collection method: clinical testing. Allele origin: germline.
Comment: This sequence change replaces valine, which is neutral and non-polar, with alanine, which is neutral and non-polar, at codon 959 of the PRX protein (p.Val959Ala). This variant is not present in population databases (gnomAD no frequency). This variant has not been reported in the literature in individuals affected with PRX-related conditions. ClinVar contains an entry for this variant (Variation ID: 582060). Algorithms developed to predict the effect of missense changes on protein structure and function output the following: SIFT: "Tolerated"; PolyPhen-2: "Benign"; Align-GVGD: "Class C0". The alanine amino acid residue is found in multiple mammalian species, which suggests that this missense change does not adversely affect protein function. In summary, the available evidence is currently insufficient to determine the role of this variant in disease. Therefore, it has been classified as a Variant of Uncertain Significance.

NM_181882.3(PRX):c.2876T>C (p.Val959Ala)

Gene: PRX (periaxin; minus strand). Cytogenetic location: 19q13.2.
Variant type: single nucleotide variant.
Coding change: c.2876T>C on transcript NM_181882.3 (MANE Select); coding-DNA position 2876, T replaced by C.
Protein change: p.Val959Ala; replaces valine 959 with alanine.
Molecular consequence: missense variant. On other transcripts: 3 prime UTR variant (1).
Genome position (GRCh38, 1-based): chr19:40,395,476, A>G on the plus strand (T>C on the coding strand, the complement: PRX is on the minus strand). VCF-style: chr19-40395476-A-G. GRCh37 (hg19) VCF-style: chr19-40901383-A-G.
Other names: c.*3081T>C (NM_020956.2); short protein forms V959A.
Identifiers: ClinVar variation 582060 (VCV000582060.6), dbSNP rs1568704784, ClinGen allele CA405895399.